The following is an entry in ClinVar:

ClinVar aggregate classification (germline): Uncertain significance (1 of 4 stars; one submission).

Allele frequency attached by ClinVar (database versions not stated): gnomAD exomes below 0.00001.
gnomAD v4.1: 1 of 1,602,416 alleles (0.000062%); highest among the groups gnomAD compares: South Asian, 0.0011%; no homozygotes.

Submission:

Labcorp Genetics (formerly Invitae), Labcorp
Classification: Uncertain significance. Last evaluated: 2025-07-21. Review status: criteria provided, single submitter. Criteria: Invitae Variant Classification Sherloc (09022015). Collection method: clinical testing. Allele origin: germline.
Comment: This sequence change replaces phenylalanine, which is neutral and non-polar, with leucine, which is neutral and non-polar, at codon 252 of the CA4 protein (p.Phe252Leu). This variant is not present in population databases (gnomAD no frequency). This variant has not been reported in the literature in individuals affected with CA4-related conditions. ClinVar contains an entry for this variant (Variation ID: 2782638). Invitae Evidence Modeling of protein sequence and biophysical properties (such as structural, functional, and spatial information, amino acid conservation, physicochemical variation, residue mobility, and thermodynamic stability) indicates that this missense variant is not expected to disrupt CA4 protein function with a negative predictive value of 80%. In summary, the available evidence is currently insufficient to determine the role of this variant in disease. Therefore, it has been classified as a Variant of Uncertain Significance.

NM_000717.5(CA4):c.756C>G (p.Phe252Leu)

Gene: CA4 (carbonic anhydrase 4; plus strand). Cytogenetic location: 17q23.1.
Variant type: single nucleotide variant.
Coding change: c.756C>G on transcript NM_000717.5 (MANE Select); coding-DNA position 756, C replaced by G.
Protein change: p.Phe252Leu; replaces phenylalanine 252 with leucine.
Molecular consequence: missense variant. On other transcripts: non-coding transcript variant (1).
Genome position (GRCh38, 1-based): chr17:60,159,241, C>G. VCF-style: chr17-60159241-C-G. GRCh37 (hg19) VCF-style: chr17-58236602-C-G.
Other names: short protein forms F252L.
Identifiers: ClinVar variation 2782638 (VCV002782638.3), dbSNP rs2544527344, ClinGen allele CA400460492.
Genomic context (GRCh38, chr17:60,159,241, plus strand): 5'-GAGTGCAGCTCCCCCTGCCCCGACCTGCTGAGCCCCATCACTTCCGCAGATCCTGGCATT[C>G]TCTCAGAAGCTGTACTACGACAAGGAACAGACAGTGAGCATGAAGGACAATGTCAGGCCC-3'
Protein context (NP_000708.1, residues 242-262): IQLHREQILA[Phe252Leu]SQKLYYDKEQ